The following is an entry in ClinVar:

NM_001040108.2(MLH3):c.505G>C (p.Glu169Gln)

Gene: MLH3 (mutL homolog 3; minus strand). Cytogenetic location: 14q24.3.
Variant type: single nucleotide variant.
Coding change: c.505G>C on transcript NM_001040108.2 (MANE Select); coding-DNA position 505, G replaced by C.
Protein change: p.Glu169Gln; replaces glutamic acid 169 with glutamine.
Molecular consequence: missense variant.
Genome position (GRCh38, 1-based): chr14:75,049,151, C>G on the plus strand (G>C on the coding strand, the complement: MLH3 is on the minus strand). VCF-style: chr14-75049151-C-G. GRCh37 (hg19) VCF-style: chr14-75515854-C-G.
Other names: c.505G>C, p.Glu169Gln (NM_014381.3); short protein forms E169Q.
Identifiers: ClinVar variation 4108672 (VCV004108672.1).

ClinVar aggregate classification (germline): Uncertain significance (1 of 4 stars; one submission).

Submission:

Ambry Genetics
Classification: Uncertain significance. Last evaluated: 2025-08-21. Review status: criteria provided, single submitter. Criteria: Ambry Variant Classification Scheme 2023. Collection method: clinical testing. Allele origin: germline.
Comment: The p.E169Q variant (also known as c.505G>C), located in coding exon 1 of the MLH3 gene, results from a G to C substitution at nucleotide position 505. The glutamic acid at codon 169 is replaced by glutamine, an amino acid with highly similar properties. This amino acid position is conserved. In addition, the in silico prediction for this alteration is inconclusive. Based on the available evidence, the clinical significance of this variant remains unclear.